The following is an entry in ClinVar:

ClinVar aggregate classification (germline): Uncertain significance. Review status: criteria provided, multiple submitters, no conflicts (2 of 4 stars). 2 submissions from 2 submitters: Uncertain significance (2). Last evaluated 2025-02-10.

Conditions:
Deficiency of galactokinase. Also called: Galactokinase deficiency with cataracts; GALACTOSEMIA II. Identifiers: Orphanet 352, Orphanet 79237, MedGen C0268155, MONDO:0009255, OMIM 230200.
Inborn genetic diseases. Identifiers: MedGen C0950123, MeSH D030342.

Allele frequency attached by ClinVar (database versions not stated): TOPMed 0.00002; gnomAD 0.00003; ExAC 0.00005.
gnomAD v4.1: 24 of 1,596,824 alleles (0.0015%); highest among the groups gnomAD compares: Admixed American, 0.0051%; no homozygotes.

Submissions (2):

Ambry Genetics
Classification: Uncertain significance for Inborn genetic diseases. Last evaluated: 2025-02-10. Review status: criteria provided, single submitter. Criteria: Ambry Variant Classification Scheme 2023. Collection method: clinical testing. Allele origin: germline.

Labcorp Genetics (formerly Invitae), Labcorp
Classification: Uncertain significance for Deficiency of galactokinase. Last evaluated: 2021-08-13. Review status: criteria provided, single submitter. Criteria: Invitae Variant Classification Sherloc (09022015). Collection method: clinical testing. Allele origin: germline.
Comment: This sequence change replaces arginine with tryptophan at codon 276 of the GALK1 protein (p.Arg276Trp). The arginine residue is moderately conserved and there is a moderate physicochemical difference between arginine and tryptophan. This variant is present in population databases (rs781184768, ExAC 0.009%). This variant has not been reported in the literature in individuals affected with GALK1-related conditions. Algorithms developed to predict the effect of missense changes on protein structure and function are either unavailable or do not agree on the potential impact of this missense change (SIFT: "Deleterious"; PolyPhen-2: "Benign"; Align-GVGD: "Class C0"). In summary, the available evidence is currently insufficient to determine the role of this variant in disease. Therefore, it has been classified as a Variant of Uncertain Significance.

NM_000154.2(GALK1):c.826C>T (p.Arg276Trp)

Gene: GALK1 (galactokinase 1; minus strand). Cytogenetic location: 17q25.1.
Variant type: single nucleotide variant.
Coding change: c.826C>T on transcript NM_000154.2 (MANE Select); coding-DNA position 826, C replaced by T.
Protein change: p.Arg276Trp; replaces arginine 276 with tryptophan.
Molecular consequence: missense variant.
Genome position (GRCh38, 1-based): chr17:75,758,567, G>A on the plus strand (C>T on the coding strand, the complement: GALK1 is on the minus strand). VCF-style: chr17-75758567-G-A. GRCh37 (hg19) VCF-style: chr17-73754648-G-A.
Other names: c.826C>T, p.Arg276Trp (NM_001381985.1); c.826C>T (NM_000154.1); short protein forms R276W.
Identifiers: ClinVar variation 2147132 (VCV002147132.2), dbSNP rs781184768, ClinGen allele CA8770815.